The following is an entry in ClinVar:

NM_000260.4(MYO7A):c.4940G>C (p.Gly1647Ala)

Gene: MYO7A (myosin VIIA; plus strand). Cytogenetic location: 11q13.5.
Variant type: single nucleotide variant.
Coding change: c.4940G>C on transcript NM_000260.4 (MANE Select); coding-DNA position 4940, G replaced by C.
Protein change: p.Gly1647Ala; replaces glycine 1647 with alanine.
Molecular consequence: missense variant.
Genome position (GRCh38, 1-based): chr11:77,201,535, G>C. VCF-style: chr11-77201535-G-C. GRCh37 (hg19) VCF-style: chr11-76912580-G-C.
Other names: c.4826G>C, p.Gly1609Ala (NM_001127180.2); c.4793G>C, p.Gly1598Ala (NM_001369365.1); short protein forms G1609A, G1598A, G1647A.
Identifiers: ClinVar variation 957944 (VCV000957944.11), dbSNP rs1957063555, ClinGen allele CA381951275.
Genomic context (GRCh38, chr11:77,201,535, plus strand): 5'-TTGCCAAGGGAGACCTCATCATCCTGGACCATGACACGGGCGAGCAGGTCATGAACTCGG[G>C]CTGGGCCAACGGCATCAATGAGAGGACCAAGCAGCGTGGGGACTTCCCCACCGACAGTGT-3'
Protein context (NP_000251.3, residues 1637-1657): HDTGEQVMNS[Gly1647Ala]WANGINERTK

ClinVar aggregate classification (germline): Uncertain significance. Review status: criteria provided, multiple submitters, no conflicts (2 of 4 stars). 3 submissions from 3 submitters: Uncertain significance (2). 1 of the submissions does not count toward it. Last evaluated 2026-09-14.

Conditions:
MYO7A-related disorder. Also called: MYO7A-related disorders.
Usher syndrome type 1B (USH1B). Also called: Usher syndrome type IB. Identifiers: MedGen C1848638, MONDO:0700087.

Allele frequency attached by ClinVar (database versions not stated): gnomAD exomes below 0.00001.
gnomAD v4.1: 5 of 1,613,934 alleles (0.00031%); highest among the groups gnomAD compares: African/African-American, 0.0013%; no homozygotes.

Submissions (3):

PreventionGenetics, part of Exact Sciences
Classification: Uncertain significance for MYO7A-related condition. Last evaluated: 2026-09-14. Review status: criteria provided, single submitter. Criteria: ACMG Guidelines, 2015. Collection method: clinical testing. Allele origin: germline.
Comment: The MYO7A c.4940G>C variant is predicted to result in the amino acid substitution p.Gly1647Ala. To our knowledge, this variant has not been reported in the literature or in a large population database (gnomAD), indicating this variant is rare. At this time, the clinical significance of this variant is uncertain due to the absence of conclusive functional and genetic evidence.

Labcorp Genetics (formerly Invitae), Labcorp
Classification: Uncertain significance. Last evaluated: 2025-10-08. Review status: criteria provided, single submitter. Criteria: Invitae Variant Classification Sherloc (09022015). Collection method: clinical testing. Allele origin: germline.
Comment: This sequence change replaces glycine, which is neutral and non-polar, with alanine, which is neutral and non-polar, at codon 1647 of the MYO7A protein (p.Gly1647Ala). This variant is not present in population databases (gnomAD no frequency). This variant has not been reported in the literature in individuals affected with MYO7A-related conditions. ClinVar contains an entry for this variant (Variation ID: 957944). Invitae Evidence Modeling of protein sequence and biophysical properties (such as structural, functional, and spatial information, amino acid conservation, physicochemical variation, residue mobility, and thermodynamic stability) indicates that this missense variant is not expected to disrupt MYO7A protein function with a negative predictive value of 95%. In summary, the available evidence is currently insufficient to determine the role of this variant in disease. Therefore, it has been classified as a Variant of Uncertain Significance.

Natera, Inc.
Classification: Uncertain significance for Usher syndrome type 1B. Last evaluated: 2021-03-12. Review status: no assertion criteria provided. Collection method: clinical testing. Allele origin: germline. Not counted in ClinVar's aggregate classification.